The following is an entry in ClinVar:

NM_014727.3(KMT2B):c.235C>T (p.Arg79Trp)

Gene: KMT2B (lysine methyltransferase 2B; plus strand). Cytogenetic location: 19q13.12.
Variant type: single nucleotide variant.
Coding change: c.235C>T on transcript NM_014727.3 (MANE Select); coding-DNA position 235, C replaced by T.
Protein change: p.Arg79Trp; replaces arginine 79 with tryptophan.
Molecular consequence: missense variant.
Genome position (GRCh38, 1-based): chr19:35,718,253, C>T. VCF-style: chr19-35718253-C-T. GRCh37 (hg19) VCF-style: chr19-36209155-C-T.
Other names: short protein forms R79W.
Identifiers: ClinVar variation 1978226 (VCV001978226.4), dbSNP rs2513306819, ClinGen allele CA405375254.

ClinVar aggregate classification (germline): Uncertain significance (1 of 4 stars; one submission).

Submission:

Labcorp Genetics (formerly Invitae), Labcorp
Classification: Uncertain significance. Last evaluated: 2022-02-08. Review status: criteria provided, single submitter. Criteria: Invitae Variant Classification Sherloc (09022015). Collection method: clinical testing. Allele origin: germline.
Comment: This variant is not present in population databases (gnomAD no frequency). In summary, the available evidence is currently insufficient to determine the role of this variant in disease. Therefore, it has been classified as a Variant of Uncertain Significance. Algorithms developed to predict the effect of missense changes on protein structure and function are either unavailable or do not agree on the potential impact of this missense change (SIFT: "Deleterious"; PolyPhen-2: "Not Available"; Align-GVGD: "Class C0"). This variant has not been reported in the literature in individuals affected with KMT2B-related conditions. This sequence change replaces arginine, which is basic and polar, with tryptophan, which is neutral and slightly polar, at codon 79 of the KMT2B protein (p.Arg79Trp).